The following is an entry in ClinVar:

ClinVar aggregate classification (germline): Uncertain significance (1 of 4 stars; one submission).

Conditions:
Cardiovascular phenotype. Identifiers: MedGen CN230736.

Allele frequency attached by ClinVar (database versions not stated): gnomAD exomes below 0.00001.
gnomAD v4.1: 2 of 1,613,876 alleles (0.00012%); highest among the groups gnomAD compares: Admixed American, 0.0033%; no homozygotes.

Submission:

Ambry Genetics
Classification: Uncertain significance for Cardiovascular phenotype. Last evaluated: 2020-03-17. Review status: criteria provided, single submitter. Criteria: Ambry Variant Classification Scheme 2023. Collection method: clinical testing. Allele origin: germline.
Comment: The p.S1733F variant (also known as c.5198C>T), located in coding exon 37 of the LAMA4 gene, results from a C to T substitution at nucleotide position 5198. The serine at codon 1733 is replaced by phenylalanine, an amino acid with highly dissimilar properties. This amino acid position is not well conserved in available vertebrate species. In addition, the in silico prediction for this alteration is inconclusive. Since supporting evidence is limited at this time, the clinical significance of this alteration remains unclear.

NM_001105206.3(LAMA4):c.5219C>T (p.Ser1740Phe)

Gene: LAMA4 (laminin subunit alpha 4; minus strand). Cytogenetic location: 6q21.
Variant type: single nucleotide variant.
Coding change: c.5219C>T on transcript NM_001105206.3 (MANE Select); coding-DNA position 5219, C replaced by T.
Protein change: p.Ser1740Phe; replaces serine 1740 with phenylalanine.
Molecular consequence: missense variant.
Genome position (GRCh38, 1-based): chr6:112,114,183, G>A on the plus strand (C>T on the coding strand, the complement: LAMA4 is on the minus strand). VCF-style: chr6-112114183-G-A. GRCh37 (hg19) VCF-style: chr6-112435386-G-A.
Other names: c.5198C>T, p.Ser1733Phe (NM_001105207.3, NM_002290.5); short protein forms S1740F, S1733F.
Identifiers: ClinVar variation 1745951 (VCV001745951.2), dbSNP rs1554322480, ClinGen allele CA365364449.